The following is an entry in ClinVar:

ClinVar aggregate classification (germline): Uncertain significance. Review status: criteria provided, multiple submitters, no conflicts (2 of 4 stars). 3 submissions from 3 submitters: Uncertain significance (3). Last evaluated 2025-07-07.

Conditions:
Hereditary nonpolyposis colorectal neoplasms. Identifiers: MedGen C0009405, MeSH D003123.
Hereditary cancer-predisposing syndrome. Also called: Neoplastic Syndromes, Hereditary; Tumor predisposition; Hereditary neoplastic syndrome; Hereditary Cancer Syndrome. Identifiers: Orphanet 140162, MedGen C0027672, MeSH D009386, MONDO:0015356.

Submissions (3):

Ambry Genetics
Classification: Uncertain significance for Hereditary cancer-predisposing syndrome. Last evaluated: 2025-07-07. Review status: criteria provided, single submitter. Criteria: Ambry Variant Classification Scheme 2023. Collection method: clinical testing. Allele origin: germline.
Comment: The p.Q400R variant (also known as c.1199A>G), located in coding exon 11 of the PMS2 gene, results from an A to G substitution at nucleotide position 1199. The glutamine at codon 400 is replaced by arginine, an amino acid with highly similar properties. This amino acid position is not well conserved in available vertebrate species. In addition, this alteration is predicted to be tolerated by in silico analysis. Based on the available evidence, the clinical significance of this variant remains unclear.

Labcorp Genetics (formerly Invitae), Labcorp
Classification: Uncertain significance for Hereditary nonpolyposis colorectal neoplasms. Last evaluated: 2025-05-07. Review status: criteria provided, single submitter. Criteria: Invitae Variant Classification Sherloc (09022015). Collection method: clinical testing. Allele origin: germline.
Comment: This sequence change replaces glutamine, which is neutral and polar, with arginine, which is basic and polar, at codon 400 of the PMS2 protein (p.Gln400Arg). This variant is not present in population databases (gnomAD no frequency). This variant has not been reported in the literature in individuals affected with PMS2-related conditions. ClinVar contains an entry for this variant (Variation ID: 567536). Invitae Evidence Modeling incorporating data from in vitro experimental studies (internal data) indicates that this missense variant is not expected to disrupt PMS2 function with a negative predictive value of 95%. In summary, the available evidence is currently insufficient to determine the role of this variant in disease. Therefore, it has been classified as a Variant of Uncertain Significance.

Color Diagnostics, LLC DBA Color Health
Classification: Uncertain significance for Hereditary cancer-predisposing syndrome. Last evaluated: 2019-01-15. Review status: criteria provided, single submitter. Criteria: ACMG Guidelines, 2015. Collection method: clinical testing. Allele origin: germline.

NM_000535.7(PMS2):c.1199A>G (p.Gln400Arg)

Gene: PMS2 (PMS1 homolog 2, mismatch repair system component; minus strand). Cytogenetic location: 7p22.1.
Variant type: single nucleotide variant.
Coding change: c.1199A>G on transcript NM_000535.7 (MANE Select); coding-DNA position 1199, A replaced by G.
Protein change: p.Gln400Arg; replaces glutamine 400 with arginine.
Molecular consequence: missense variant. On other transcripts: non-coding transcript variant (1).
Genome position (GRCh38, 1-based): chr7:5,987,566, T>C on the plus strand (A>G on the coding strand, the complement: PMS2 is on the minus strand). VCF-style: chr7-5987566-T-C. GRCh37 (hg19) VCF-style: chr7-6027197-T-C.
Other names: c.794A>G, p.Gln265Arg (NM_001322003.2, NM_001322004.2, NM_001322005.2 and 1 more transcripts); c.1043A>G, p.Gln348Arg (NM_001322006.2); c.881A>G, p.Gln294Arg (NM_001322007.2, NM_001322008.2); c.638A>G, p.Gln213Arg (NM_001322010.2); c.266A>G, p.Gln89Arg (NM_001322011.2, NM_001322012.2); c.626A>G, p.Gln209Arg (NM_001322013.2); c.1199A>G, p.Gln400Arg (NM_001322014.2); c.890A>G, p.Gln297Arg (NM_001322015.2); short protein forms Q400R, Q297R, Q265R, Q294R, Q89R, Q209R, Q213R, Q348R.
Identifiers: ClinVar variation 567536 (VCV000567536.15), dbSNP rs148069478, ClinGen allele CA366742582.